The following is an entry in ClinVar:

NM_000397.4(CYBB):c.906_909del (p.His303fs)

Gene: CYBB (cytochrome b-245 beta chain; plus strand). Cytogenetic location: Xp11.4.
Variant type: Microsatellite.
Coding change: c.906_909del on transcript NM_000397.4 (MANE Select); coding-DNA positions 906 to 909, 4 bases deleted (TCAC; older notation c.906_909delTCAC).
Protein change: p.His303fs; shifts the reading frame from histidine 303.
Molecular consequence: frameshift variant.
Genome position (GRCh38, 1-based): chrX:37,803,885-37,803,888, TCAC deleted; deleting any 4 consecutive bases within chrX:37,803,881-37,803,888 gives the same sequence; the c. name uses the placement nearest the transcript's 3' end. VCF-style (leftmost placement, unchanged base first): chrX-37803880-GTCAC-G. GRCh37 (hg19) VCF-style: chrX-37663133-GTCAC-G.
Other names: short protein forms H303fs.
Identifiers: ClinVar variation 842892 (VCV000842892.10), dbSNP rs1929497736, ClinGen allele CA916081976.
Genomic context (GRCh38, chrX:37,803,880, plus strand): 5'-TAAAAAGGCAAGTATTTAGGAAAAATGTCATTTCCAGACATATGTTTTATTCTATAGGTG[GTCAC>G]TCACCCTTTCAAAACCATCGAGCTACAGATGAAGAAGAAGGGGTTCAAAATGGAAGTGGG-3'

ClinVar aggregate classification (germline): Pathogenic (1 of 4 stars; one submission).

Conditions:
Granulomatous disease, chronic, X-linked. Also called: CYTOCHROME b-NEGATIVE GRANULOMATOUS DISEASE, CHRONIC, X-LINKED; GRANULOMATOUS DISEASE, CHRONIC, X-LINKED, SOMATIC MOSAIC. Identifiers: Orphanet 379, MedGen C1844376, MONDO:0010600, OMIM 306400.

Submission:

Labcorp Genetics (formerly Invitae), Labcorp
Classification: Pathogenic for Granulomatous disease, chronic, X-linked. Last evaluated: 2019-12-19. Review status: criteria provided, single submitter. Criteria: Invitae Variant Classification Sherloc (09022015). Collection method: clinical testing. Allele origin: germline.
Comment: For these reasons, this variant has been classified as Pathogenic. Loss-of-function variants in CYBB are known to be pathogenic (PMID: 9585602, 20729109). This variant has been observed in an individual affected with chronic granulomatous disease (PMID: 20729109). This variant is not present in population databases (ExAC no frequency). This sequence change creates a premature translational stop signal (p.His303Leufs*9) in the CYBB gene. It is expected to result in an absent or disrupted protein product.

Literature cited by the submitters: PubMed 9585602; PubMed 20729109.